The following is an entry in ClinVar:

NM_000217.3(KCNA1):c.756C>T (p.Asn252=)

Gene: KCNA1 (potassium voltage-gated channel subfamily A member 1; plus strand). Cytogenetic location: 12p13.32.
Variant type: single nucleotide variant.
Coding change: c.756C>T on transcript NM_000217.3 (MANE Select); coding-DNA position 756, C replaced by T.
Protein change: p.Asn252=; no amino-acid change (asparagine 252 retained).
Molecular consequence: synonymous variant.
Genome position (GRCh38, 1-based): chr12:4,912,134, C>T. VCF-style: chr12-4912134-C-T. GRCh37 (hg19) VCF-style: chr12-5021300-C-T.
Other names: p.Asn252=.
Identifiers: ClinVar variation 2193797 (VCV002193797.5), dbSNP rs777283636, ClinGen allele CA6399428.

ClinVar aggregate classification (germline): Likely benign. Review status: criteria provided, multiple submitters, no conflicts (2 of 4 stars). 2 submissions from 2 submitters: Likely benign (2). Last evaluated 2025-08-01.

Conditions:
Episodic ataxia type 1 (EA1). Also called: ATAXIA, EPISODIC, WITH MYOKYMIA; Episodic ataxia/myokymia syndrome; MYOKYMIA WITH PERIODIC ATAXIA; PAROXYSMAL ATAXIA WITH NEUROMYOTONIA, HEREDITARY. Identifiers: Orphanet 37612, Orphanet 972, MedGen C1719788, MONDO:0008047, OMIM 160120.

Allele frequency attached by ClinVar (database versions not stated): gnomAD exomes below 0.00001; ExAC 0.00001; gnomAD 0.00001; TOPMed 0.00003.

Submissions (2):

Mayo Clinic Laboratories, Mayo Clinic
Classification: Likely benign. Last evaluated: 2025-08-01. Review status: criteria provided, single submitter. Criteria: ACMG Guidelines, 2015. Collection method: clinical testing. Allele origin: germline. Observed: 1 variant allele.
Comment: BP4, BP7

Labcorp Genetics (formerly Invitae), Labcorp
Classification: Likely benign for Episodic ataxia type 1. Last evaluated: 2025-03-06. Review status: criteria provided, single submitter. Criteria: Invitae Variant Classification Sherloc (09022015). Collection method: clinical testing. Allele origin: germline.